The following is an entry in ClinVar:

ClinVar aggregate classification (germline): Uncertain significance (1 of 4 stars; one submission).

Submission:

Labcorp Genetics (formerly Invitae), Labcorp
Classification: Uncertain significance. Last evaluated: 2021-06-29. Review status: criteria provided, single submitter. Criteria: Invitae Variant Classification Sherloc (09022015). Collection method: clinical testing. Allele origin: germline.
Comment: This variant has been observed in individual(s) with retinitis pigmentosa (Invitae). Algorithms developed to predict the effect of missense changes on protein structure and function (SIFT, PolyPhen-2, Align-GVGD) all suggest that this variant is likely to be disruptive. In summary, the available evidence is currently insufficient to determine the role of this variant in disease. Therefore, it has been classified as a Variant of Uncertain Significance. This variant is not present in population databases (ExAC no frequency). This sequence change replaces lysine with isoleucine at codon 726 of the PDE6A protein (p.Lys726Ile). The lysine residue is highly conserved and there is a moderate physicochemical difference between lysine and isoleucine.

NM_000440.3(PDE6A):c.2177A>T (p.Lys726Ile)

Gene: PDE6A (phosphodiesterase 6A; minus strand). Cytogenetic location: 5q32.
Variant type: single nucleotide variant.
Coding change: c.2177A>T on transcript NM_000440.3 (MANE Select); coding-DNA position 2177, A replaced by T.
Protein change: p.Lys726Ile; replaces lysine 726 with isoleucine.
Molecular consequence: missense variant.
Genome position (GRCh38, 1-based): chr5:149,868,117, T>A on the plus strand (A>T on the coding strand, the complement: PDE6A is on the minus strand). VCF-style: chr5-149868117-T-A. GRCh37 (hg19) VCF-style: chr5-149247680-T-A.
Other names: short protein forms K726I.
Identifiers: ClinVar variation 1476971 (VCV001476971.8), dbSNP rs1189428579, ClinGen allele CA361689450.
Genomic context (GRCh38, chr5:149,868,117, plus strand): 5'-TGGGATGCCCCTCCTCTTGGGTCAGCAGGAGTTCATACCTGGCTCTGCACCTCCCAGGGT[T>A]TGGTGATGGCTGAGAGATCACAGGCGGTCATCATCATGGCCCTGGGCACACAGGACACCC-3'
Protein context (NP_000431.2, residues 716-736): MTACDLSAIT[Lys726Ile]PWEVQSQVAL